The following is an entry in ClinVar:

NM_006231.4(POLE):c.3653T>C (p.Val1218Ala)

Gene: POLE (DNA polymerase epsilon, catalytic subunit; minus strand). Cytogenetic location: 12q24.33.
Variant type: single nucleotide variant.
Coding change: c.3653T>C on transcript NM_006231.4 (MANE Select); coding-DNA position 3653, T replaced by C.
Protein change: p.Val1218Ala; replaces valine 1218 with alanine.
Molecular consequence: missense variant.
Genome position (GRCh38, 1-based): chr12:132,649,819, A>G on the plus strand (T>C on the coding strand, the complement: POLE is on the minus strand). VCF-style: chr12-132649819-A-G. GRCh37 (hg19) VCF-style: chr12-133226405-A-G.
Other names: short protein forms V1218A.
Identifiers: ClinVar variation 5002842 (VCV005002842.1).

ClinVar aggregate classification (germline): Uncertain significance (1 of 4 stars; one submission).

Conditions:
Colorectal cancer, susceptibility to, 12 (CRCS12). Also called: COLORECTAL CANCER, SUSCEPTIBILITY TO, ON CHROMOSOME 12q24. Identifiers: Orphanet 220460, MedGen C3554460, MONDO:0014038, OMIM 615083.

Submission:

OLLIN Analises Genomicas, OLLIN
Classification: Uncertain significance for Colorectal cancer, susceptibility to, 12. Last evaluated: 2026-08-06. Review status: criteria provided, single submitter. Criteria: ACMG Guidelines 2015 PMID 25741868. Collection method: clinical testing. Allele origin: germline. Inheritance: Autosomal recessive inheritance.
Comment: This missense variant, located in exon 30 (of 49), is absent from gnomAD and ClinVar and has not been identified in the literature. In silico analysis predicts that this variant has a tolerated effect. According to the currently available evidence, this variant has been classified as uncertain significance (PM2_P, BP4_S).